The following is an entry in ClinVar:

NM_000062.3(SERPING1):c.1474A>T (p.Met492Leu)

Gene: SERPING1 (serpin family G member 1; plus strand). Cytogenetic location: 11q12.1.
Variant type: single nucleotide variant.
Coding change: c.1474A>T on transcript NM_000062.3 (MANE Select); coding-DNA position 1474, A replaced by T.
Protein change: p.Met492Leu; replaces methionine 492 with leucine.
Molecular consequence: missense variant.
Genome position (GRCh38, 1-based): chr11:57,614,552, A>T. VCF-style: chr11-57614552-A-T. GRCh37 (hg19) VCF-style: chr11-57382025-A-T.
Other names: c.1474A>T, p.Met492Leu (NM_001032295.2); short protein forms M492L.
Identifiers: ClinVar variation 1967470 (VCV001967470.5), dbSNP rs754081837, ClinGen allele CA380690917.

ClinVar aggregate classification (germline): Uncertain significance (1 of 4 stars; one submission).

Submission:

Labcorp Genetics (formerly Invitae), Labcorp
Classification: Uncertain significance. Last evaluated: 2022-09-20. Review status: criteria provided, single submitter. Criteria: Invitae Variant Classification Sherloc (09022015). Collection method: clinical testing. Allele origin: germline.
Comment: In summary, the available evidence is currently insufficient to determine the role of this variant in disease. Therefore, it has been classified as a Variant of Uncertain Significance. Algorithms developed to predict the effect of missense changes on protein structure and function (SIFT, PolyPhen-2, Align-GVGD) all suggest that this variant is likely to be tolerated. This variant has not been reported in the literature in individuals affected with SERPING1-related conditions. This variant is present in population databases (no rsID available, gnomAD 0.003%). This sequence change replaces methionine, which is neutral and non-polar, with leucine, which is neutral and non-polar, at codon 492 of the SERPING1 protein (p.Met492Leu).